The following is an entry in ClinVar:

ClinVar aggregate classification (germline): Uncertain significance. Review status: criteria provided, multiple submitters, no conflicts (2 of 4 stars). 2 submissions from 2 submitters: Uncertain significance (2). Last evaluated 2025-06-09.

gnomAD v4.1: 1 of 1,611,644 alleles (0.000062%); highest among the groups gnomAD compares: Non-Finnish European, 0.000085%; no homozygotes.

Submissions (2):

Ambry Genetics
Classification: Uncertain significance. Last evaluated: 2025-06-09. Review status: criteria provided, single submitter. Criteria: Ambry Variant Classification Scheme 2023. Collection method: clinical testing. Allele origin: germline.

Labcorp Genetics (formerly Invitae), Labcorp
Classification: Uncertain significance. Last evaluated: 2025-04-03. Review status: criteria provided, single submitter. Criteria: Invitae Variant Classification Sherloc (09022015). Collection method: clinical testing. Allele origin: germline.
Comment: This sequence change replaces leucine, which is neutral and non-polar, with proline, which is neutral and non-polar, at codon 216 of the SLC25A21 protein (p.Leu216Pro). This variant is not present in population databases (gnomAD no frequency). This variant has not been reported in the literature in individuals affected with SLC25A21-related conditions. Invitae Evidence Modeling of protein sequence and biophysical properties (such as structural, functional, and spatial information, amino acid conservation, physicochemical variation, residue mobility, and thermodynamic stability) indicates that this missense variant is not expected to disrupt SLC25A21 protein function with a negative predictive value of 80%. In summary, the available evidence is currently insufficient to determine the role of this variant in disease. Therefore, it has been classified as a Variant of Uncertain Significance.

NM_030631.4(SLC25A21):c.647T>C (p.Leu216Pro)

Gene: SLC25A21 (solute carrier family 25 member 21; minus strand). Cytogenetic location: 14q13.3.
Variant type: single nucleotide variant.
Coding change: c.647T>C on transcript NM_030631.4 (MANE Select); coding-DNA position 647, T replaced by C.
Protein change: p.Leu216Pro; replaces leucine 216 with proline.
Molecular consequence: missense variant.
Genome position (GRCh38, 1-based): chr14:36,684,882, A>G on the plus strand (T>C on the coding strand, the complement: SLC25A21 is on the minus strand). VCF-style: chr14-36684882-A-G. GRCh37 (hg19) VCF-style: chr14-37154087-A-G.
Other names: c.647T>C, p.Leu216Pro (NM_001171170.2); short protein forms L216P.
Identifiers: ClinVar variation 3955894 (VCV003955894.2).